The following is an entry in ClinVar:

ClinVar aggregate classification (germline): Pathogenic (1 of 4 stars; one submission).

gnomAD v4.1: 1 of 1,612,950 alleles (0.000062%); highest among the groups gnomAD compares: Non-Finnish European, 0.000085%; no homozygotes.

Submission:

Labcorp Genetics (formerly Invitae), Labcorp
Classification: Pathogenic. Last evaluated: 2024-12-24. Review status: criteria provided, single submitter. Criteria: Invitae Variant Classification Sherloc (09022015). Collection method: clinical testing. Allele origin: germline.
Comment: This sequence change creates a premature translational stop signal (p.Arg281*) in the STIL gene. It is expected to result in an absent or disrupted protein product. Loss-of-function variants in STIL are known to be pathogenic (PMID: 24986681, 33132204). This variant is not present in population databases (gnomAD no frequency). This variant has not been reported in the literature in individuals affected with STIL-related conditions. Algorithms developed to predict the effect of sequence changes on RNA splicing suggest that this variant may disrupt the consensus splice site. For these reasons, this variant has been classified as Pathogenic.

Literature cited by the submitters: PubMed 24986681; PubMed 33132204.

NM_001048166.1(STIL):c.841C>T (p.Arg281Ter)

Gene: STIL (STIL centriolar assembly protein; minus strand). Cytogenetic location: 1p33.
Variant type: single nucleotide variant.
Coding change: c.841C>T on transcript NM_001048166.1 (MANE Select); coding-DNA position 841, C replaced by T.
Protein change: p.Arg281Ter; replaces arginine 281 with a stop codon.
Molecular consequence: nonsense.
Genome position (GRCh38, 1-based): chr1:47,293,489, G>A on the plus strand (C>T on the coding strand, the complement: STIL is on the minus strand). VCF-style: chr1-47293489-G-A. GRCh37 (hg19) VCF-style: chr1-47759161-G-A.
Other names: c.841C>T, p.Arg281Ter (NM_001282936.1, NM_001282937.1, NM_003035.2); c.700C>T, p.Arg234Ter (NM_001282938.1, NM_001282939.1, NM_001377417.1); short protein forms R234*, R281*.
Identifiers: ClinVar variation 3657323 (VCV003657323.2).